The following is an entry in ClinVar:

ClinVar aggregate classification (germline): Uncertain significance. Review status: criteria provided, multiple submitters, no conflicts (2 of 4 stars). 3 submissions from 3 submitters: Uncertain significance (3). Last evaluated 2024-10-01.

Conditions:
Cardiovascular phenotype. Identifiers: MedGen CN230736.
Cardiomyopathy (CMYO). Also called: Cardiomyopathies. Identifiers: Orphanet 167848, MedGen C0878544, MONDO:0004994, HP:0001638. Inheritance: Various modes of inheritance.

gnomAD v4.1: 1 of 1,613,974 alleles (0.000062%); highest among the groups gnomAD compares: African/African-American, 0.0013%; no homozygotes.

Submissions (3):

Ambry Genetics
Classification: Uncertain significance for Cardiovascular phenotype. Last evaluated: 2024-10-01. Review status: criteria provided, single submitter. Criteria: Ambry Variant Classification Scheme 2023. Collection method: clinical testing. Allele origin: germline.

Color Diagnostics, LLC DBA Color Health
Classification: Uncertain significance for Cardiomyopathy. Last evaluated: 2024-03-06. Review status: criteria provided, single submitter. Criteria: ACMG Guidelines, 2015. Collection method: clinical testing. Allele origin: germline.
Comment: This missense variant replaces isoleucine with leucine at codon 934 of the DSG2 protein. Computational prediction suggests that this variant may not impact protein structure and function (internally defined REVEL score threshold <= 0.5, PMID: 27666373). To our knowledge, functional studies have not been reported for this variant. This variant has not been reported in individuals affected with cardiovascular disorders in the literature. This variant has not been identified in the general population by the Genome Aggregation Database (gnomAD). The available evidence is insufficient to determine the role of this variant in disease conclusively. Therefore, this variant is classified as a Variant of Uncertain Significance.

Mayo Clinic Laboratories, Mayo Clinic
Classification: Uncertain significance. Last evaluated: 2021-10-13. Review status: criteria provided, single submitter. Criteria: ACMG Guidelines, 2015. Collection method: clinical testing. Allele origin: germline.

NM_001943.5(DSG2):c.2800A>T (p.Ile934Leu)

Genes: DSG2-AS1 (DSG2 antisense RNA 1; minus strand), DSG2 (desmoglein 2; plus strand). Cytogenetic location: 18q12.1.
Variant type: single nucleotide variant.
Coding change: c.2800A>T on transcript NM_001943.5 (MANE Select); coding-DNA position 2800, A replaced by T.
Protein change: p.Ile934Leu; replaces isoleucine 934 with leucine.
Molecular consequence: missense variant.
Genome position (GRCh38, 1-based): chr18:31,546,186, A>T. VCF-style: chr18-31546186-A-T. GRCh37 (hg19) VCF-style: chr18-29126149-A-T.
Other names: p.Ile934Leu; c.2800A>T (NM_001943.3); short protein forms I934L.
Identifiers: ClinVar variation 1172407 (VCV001172407.8), dbSNP rs1469730786, ClinGen allele CA402146789.